The following is an entry in ClinVar:

ClinVar aggregate classification (germline): Uncertain significance. Review status: criteria provided, multiple submitters, no conflicts (2 of 4 stars). 3 submissions from 3 submitters: Uncertain significance (3). Last evaluated 2025-10-06.

Conditions:
TTC21B-related disorder. Also called: TTC21B-related condition; TTC21B-related disorders.
Jeune thoracic dystrophy. Also called: Jeune syndrome; Infantile thoracic dystrophy; Thoracic pelvic phalangeal dystrophy; Jeune's syndrome; Chondroectodermal dysplasia-like syndrome; Short-rib thoracic dysplasia. Identifiers: Orphanet 474, MedGen C0265275, MONDO:0018770.
Nephronophthisis. Also called: Juvenile Nephronophthisis. Identifiers: Orphanet 655, MedGen C0687120, MONDO:0019005, HP:0000090.
Inborn genetic diseases. Identifiers: MedGen C0950123, MeSH D030342.

Allele frequency attached by ClinVar (database versions not stated): gnomAD exomes 0.00001; ExAC 0.00001.
gnomAD v4.1: 4 of 1,613,148 alleles (0.00025%); highest among the groups gnomAD compares: Admixed American, 0.005%; no homozygotes.

Submissions (3):

PreventionGenetics, part of Exact Sciences
Classification: Uncertain significance for TTC21B-related condition. Last evaluated: 2025-10-06. Review status: criteria provided, single submitter. Criteria: ACMG Guidelines, 2015. Collection method: clinical testing. Allele origin: germline.
Comment: The TTC21B c.1067C>T variant is predicted to result in the amino acid substitution p.Thr356Ile. To our knowledge, this variant has not been reported in the literature. This variant is reported in 0.012% of alleles in individuals of Latino descent in gnomAD. At this time, the clinical significance of this variant is uncertain due to the absence of conclusive functional and genetic evidence.

Ambry Genetics
Classification: Uncertain significance for Inborn genetic diseases. Last evaluated: 2023-12-13. Review status: criteria provided, single submitter. Criteria: Ambry Variant Classification Scheme 2023. Collection method: clinical testing. Allele origin: germline.

Labcorp Genetics (formerly Invitae), Labcorp
Classification: Uncertain significance for Jeune thoracic dystrophy; Nephronophthisis. Last evaluated: 2022-07-06. Review status: criteria provided, single submitter. Criteria: Invitae Variant Classification Sherloc (09022015). Collection method: clinical testing. Allele origin: germline.
Comment: In summary, the available evidence is currently insufficient to determine the role of this variant in disease. Therefore, it has been classified as a Variant of Uncertain Significance. Algorithms developed to predict the effect of missense changes on protein structure and function are either unavailable or do not agree on the potential impact of this missense change (SIFT: "Tolerated"; PolyPhen-2: "Possibly Damaging"; Align-GVGD: "Class C0"). This variant has not been reported in the literature in individuals affected with TTC21B-related conditions. This variant is present in population databases (rs764910970, gnomAD 0.009%). This sequence change replaces threonine, which is neutral and polar, with isoleucine, which is neutral and non-polar, at codon 356 of the TTC21B protein (p.Thr356Ile).

NM_024753.5(TTC21B):c.1067C>T (p.Thr356Ile)

Gene: TTC21B (tetratricopeptide repeat domain 21B; minus strand). Cytogenetic location: 2q24.3.
Variant type: single nucleotide variant.
Coding change: c.1067C>T on transcript NM_024753.5 (MANE Select); coding-DNA position 1067, C replaced by T.
Protein change: p.Thr356Ile; replaces threonine 356 with isoleucine.
Molecular consequence: missense variant.
Genome position (GRCh38, 1-based): chr2:165,930,192, G>A on the plus strand (C>T on the coding strand, the complement: TTC21B is on the minus strand). VCF-style: chr2-165930192-G-A. GRCh37 (hg19) VCF-style: chr2-166786702-G-A.
Other names: c.1067C>T (NM_024753.4, NM_024753.3); short protein forms T356I.
Identifiers: ClinVar variation 2014753 (VCV002014753.4), dbSNP rs764910970, ClinGen allele CA1942252.